The following is an entry in ClinVar:

ClinVar aggregate classification (germline): Likely benign (1 of 4 stars; one submission).

Conditions:
Griscelli syndrome type 2 (GS2). Also called: GRISCELLI SYNDROME WITH HEMOPHAGOCYTIC SYNDROME; PAID SYNDROME; PARTIAL ALBINISM AND IMMUNODEFICIENCY SYNDROME. Identifiers: Orphanet 381, Orphanet 79477, MedGen C1868679, MONDO:0011872, OMIM 607624.

Allele frequency attached by ClinVar (database versions not stated): TOPMed 0.00163; 1000 Genomes Project 30x 0.00281; 1000 Genomes Project 0.00300.

Submission:

Illumina Laboratory Services, Illumina
Classification: Likely benign for Griscelli syndrome type 2. Last evaluated: 2018-01-12. Review status: criteria provided, single submitter. Criteria: ICSL Variant Classification Criteria 13 December 2019. Collection method: clinical testing. Allele origin: germline.
Comment: This variant was observed in the ICSL laboratory as part of a predisposition screen in an ostensibly healthy population. It had not been previously curated by ICSL or reported in the Human Gene Mutation Database (HGMD: prior to June 1st, 2018), and was therefore a candidate for classification through an automated scoring system. Utilizing variant allele frequency, disease prevalence and penetrance estimates, and inheritance mode, an automated score was calculated to assess if this variant is too frequent to cause the disease. Based on the score and internal cut-off values, a variant classified as likely benign is not then subjected to further curation. The score for this variant resulted in a classification of likely benign for this disease.

NM_183235.3(RAB27A):c.-142-65C>G

Gene: RAB27A (RAB27A, member RAS oncogene family; minus strand). Cytogenetic location: 15q21.3.
Variant type: single nucleotide variant.
Coding change: c.-142-65C>G on transcript NM_183235.3 (MANE Select); 65 bases into the intron before 142 bases upstream of the start codon, C replaced by G.
Molecular consequence: intron variant. On other transcripts: 5 prime UTR variant (1).
Genome position (GRCh38, 1-based): chr15:55,270,349, G>C on the plus strand (C>G on the coding strand, the complement: RAB27A is on the minus strand). VCF-style: chr15-55270349-G-C. GRCh37 (hg19) VCF-style: chr15-55562547-G-C.
Other names: c.-207C>G (NM_004580.5); c.-142-65C>G (NM_183236.3).
Identifiers: ClinVar variation 885948 (VCV000885948.4), dbSNP rs150033129, ClinGen allele CA270764838.